The following is an entry in ClinVar:

ClinVar aggregate classification (germline): Uncertain significance. Review status: criteria provided, multiple submitters, no conflicts (2 of 4 stars). 2 submissions from 2 submitters: Uncertain significance (2). Last evaluated 2025-08-14.

Conditions:
Juvenile polyposis/hereditary hemorrhagic telangiectasia syndrome (JPHT). Also called: Juvenile Polyposis Syndrome / Hereditary Hemorrhagic Telangiectasia (JPS/HHT); JP/HHT SYNDROME; JUVENILE POLYPOSIS WITH HEREDITARY HEMORRHAGIC TELANGIECTASIA; POLYPOSIS, GENERALIZED JUVENILE, WITH PULMONARY ARTERIOVENOUS MALFORMATION; TELANGIECTASIA, HEREDITARY HEMORRHAGIC, WITH JUVENILE POLYPOSIS COLI. Identifiers: Orphanet 2929, MedGen C1832942, MONDO:0008278, OMIM 175050.
Juvenile polyposis syndrome (JPS). Identifiers: Orphanet 2929, MedGen C0345893, MONDO:0017380, OMIM 174900.

Allele frequency attached by ClinVar (database versions not stated): TOPMed 0.00002; gnomAD 0.00001.
gnomAD v4.1: 1 of 1,614,018 alleles (0.000062%); highest among the groups gnomAD compares: African/African-American, 0.0013%; no homozygotes.

Submissions (2):

Labcorp Genetics (formerly Invitae), Labcorp
Classification: Uncertain significance for Juvenile polyposis syndrome. Last evaluated: 2025-08-14. Review status: criteria provided, single submitter. Criteria: Invitae Variant Classification Sherloc (09022015). Collection method: clinical testing. Allele origin: germline.
Comment: This sequence change replaces proline, which is neutral and non-polar, with serine, which is neutral and polar, at codon 514 of the SMAD4 protein (p.Pro514Ser). This variant is present in population databases (no rsID available, gnomAD 0.01%). This variant has not been reported in the literature in individuals affected with SMAD4-related conditions. ClinVar contains an entry for this variant (Variation ID: 3070003). Invitae Evidence Modeling of protein sequence and biophysical properties (such as structural, functional, and spatial information, amino acid conservation, physicochemical variation, residue mobility, and thermodynamic stability) has been performed for this missense variant. However, the output from this modeling did not meet the statistical confidence thresholds required to predict the impact of this variant on SMAD4 protein function. In summary, the available evidence is currently insufficient to determine the role of this variant in disease. Therefore, it has been classified as a Variant of Uncertain Significance.

All of Us Research Program, National Institutes of Health
Classification: Uncertain significance for Juvenile polyposis/hereditary hemorrhagic telangiectasia syndrome. Last evaluated: 2023-03-28. Review status: criteria provided, single submitter. Criteria: ACMG Guidelines, 2015. Collection method: clinical testing. Allele origin: germline. Inheritance: Autosomal dominant inheritance. Observed: 1 variant allele, 1 heterozygote.
Comment: This study involves interpretation of variants in research participants for the purpose of population health screening. Participant phenotype was not available at the time of variant classification. Additional details can be found in publication PMID: 35346344, PMCID: PMC8962531

NM_005359.6(SMAD4):c.1540C>T (p.Pro514Ser)

Gene: SMAD4 (SMAD family member 4; plus strand). Cytogenetic location: 18q21.2.
Variant type: single nucleotide variant.
Coding change: c.1540C>T on transcript NM_005359.6 (MANE Select); coding-DNA position 1540, C replaced by T.
Protein change: p.Pro514Ser; replaces proline 514 with serine.
Molecular consequence: missense variant. On other transcripts: non-coding transcript variant (1).
Genome position (GRCh38, 1-based): chr18:51,078,348, C>T. VCF-style: chr18-51078348-C-T. GRCh37 (hg19) VCF-style: chr18-48604718-C-T.
Other names: c.1540C>T, p.Pro514Ser (NM_001407041.1, NM_001407042.1); short protein forms P514S.
Identifiers: ClinVar variation 3070003 (VCV003070003.2), dbSNP rs1221103079, ClinGen allele CA402465990.